The following is an entry in ClinVar:

ClinVar aggregate classification (germline): Pathogenic. Review status: criteria provided, multiple submitters, no conflicts (2 of 4 stars). 3 submissions from 3 submitters: Pathogenic (2). 1 of the submissions does not count toward it. Last evaluated 2026-01-07.

Conditions:
Hereditary cancer-predisposing syndrome. Also called: Tumor predisposition; Neoplastic Syndromes, Hereditary; Hereditary Cancer Syndrome; Hereditary neoplastic syndrome. Identifiers: Orphanet 140162, MedGen C0027672, MeSH D009386, MONDO:0015356.
Familial adenomatous polyposis 1 (FAP1). Also called: POLYPOSIS, ADENOMATOUS INTESTINAL; FAMILIAL ADENOMATOUS POLYPOSIS 1, ATTENUATED. Identifiers: MedGen C2713442, MONDO:0021056, OMIM 175100. Disease mechanism: loss of function.

Submissions (3):

Ambry Genetics
Classification: Pathogenic for Hereditary cancer-predisposing syndrome. Last evaluated: 2026-01-07. Review status: criteria provided, single submitter. Criteria: Ambry Variant Classification Scheme 2023. Collection method: clinical testing. Allele origin: germline.
Comment: The c.1467_1479del13 pathogenic mutation, located in coding exon 11 of the APC gene, results from a deletion of 13 nucleotides at nucleotide positions 1467 to 1479, causing a translational frameshift with a predicted alternate stop codon (p.N490Vfs*4). This variant is considered to be rare based on population cohorts in the Genome Aggregation Database (gnomAD). This alteration is expected to result in loss of function by premature protein truncation or nonsense-mediated mRNA decay. As such, this alteration is interpreted as a disease-causing mutation.

Mendelics
Classification: Pathogenic for Familial adenomatous polyposis 1. Last evaluated: 2019-05-28. Review status: criteria provided, single submitter. Criteria: Mendelics Assertion Criteria 2017. Collection method: clinical testing. Allele origin: unknown.

Department of Pathology and Laboratory Medicine, Sinai Health System
Classification: Uncertain significance. Review status: no assertion criteria provided. Collection method: clinical testing. Allele origin: unknown. Affected: yes. Observed: 1 variant allele. Study: The Canadian Open Genetics Repository (COGR). Not counted in ClinVar's aggregate classification.

NM_000038.6(APC):c.1467_1479del (p.Asn490fs)

Gene: APC (APC regulator of Wnt signaling pathway; plus strand). Cytogenetic location: 5q22.2.
Variant type: Deletion.
Coding change: c.1467_1479del on transcript NM_000038.6 (MANE Select); coding-DNA positions 1467 to 1479, 13 bases deleted (TAATGACCACTAC).
Protein change: p.Asn490fs; shifts the reading frame from asparagine 490.
Molecular consequence: frameshift variant.
Genome position (GRCh38, 1-based): chr5:112,827,166-112,827,178, TAATGACCACTAC deleted; deleting any 13 consecutive bases within chr5:112,827,163-112,827,178 gives the same sequence; the c. name uses the placement nearest the transcript's 3' end. VCF-style (leftmost placement, unchanged base first): chr5-112827162-TTACTAATGACCAC-T. GRCh37 (hg19) VCF-style: chr5-112162859-TTACTAATGACCAC-T.
Other names: c.1467_1479del, p.Asn490fs (NM_001127510.3, NM_001354895.2); c.1413_1425del, p.Asn472fs (NM_001127511.3); c.1521_1533del, p.Asn508fs (NM_001354896.2); c.1497_1509del, p.Asn500fs (NM_001354897.2); c.1392_1404del, p.Asn465fs (NM_001354898.2); c.1383_1395del, p.Asn462fs (NM_001354899.2); c.1344_1356del, p.Asn449fs (NM_001354900.2); c.1290_1302del, p.Asn431fs (NM_001354901.2); and 6 more; short protein forms N462fs, N500fs, N508fs, N330fs, N364fs, N431fs, N472fs, N389fs.
Identifiers: ClinVar variation 802136 (VCV000802136.3), dbSNP rs1580565026, ClinGen allele CA915942600.
Genomic context (GRCh38, chr5:112,827,162, plus strand): 5'-AATTAGGGGGACTACAGGCCATTGCAGAATTATTGCAAGTGGACTGTGAAATGTATGGGC[TTACTAATGACCAC>T]TACAGTATTACACTAAGACGATATGCTGGAATGGCTTTGACAAACTTGACTTTTGGAGAT-3'